The following is an entry in ClinVar:

ClinVar aggregate classification (germline): Uncertain significance. Review status: criteria provided, multiple submitters, no conflicts (2 of 4 stars). 2 submissions from 2 submitters: Uncertain significance (2). Last evaluated 2025-10-18.

Conditions:
Inborn genetic diseases. Identifiers: MedGen C0950123, MeSH D030342.

gnomAD v4.1: 3 of 1,614,038 alleles (0.00019%); highest among the groups gnomAD compares: Admixed American, 0.005%; no homozygotes.

Submissions (2):

Labcorp Genetics (formerly Invitae), Labcorp
Classification: Uncertain significance. Last evaluated: 2025-10-18. Review status: criteria provided, single submitter. Criteria: Invitae Variant Classification Sherloc (09022015). Collection method: clinical testing. Allele origin: germline.
Comment: This sequence change replaces glutamic acid, which is acidic and polar, with aspartic acid, which is acidic and polar, at codon 1097 of the ANK1 protein (p.Glu1097Asp). This variant is present in population databases (no rsID available, gnomAD 0.006%). This variant has not been reported in the literature in individuals affected with ANK1-related conditions. ClinVar contains an entry for this variant (Variation ID: 3538679). Invitae Evidence Modeling of protein sequence and biophysical properties (such as structural, functional, and spatial information, amino acid conservation, physicochemical variation, residue mobility, and thermodynamic stability) indicates that this missense variant is not expected to disrupt ANK1 protein function with a negative predictive value of 80%. In summary, the available evidence is currently insufficient to determine the role of this variant in disease. Therefore, it has been classified as a Variant of Uncertain Significance.

Ambry Genetics
Classification: Uncertain significance for Inborn genetic diseases. Last evaluated: 2024-11-29. Review status: criteria provided, single submitter. Criteria: Ambry Variant Classification Scheme 2023. Collection method: clinical testing. Allele origin: germline.

NM_000037.4(ANK1):c.3291G>T (p.Glu1097Asp)

Gene: ANK1 (ankyrin 1; minus strand). Cytogenetic location: 8p11.21.
Variant type: single nucleotide variant.
Coding change: c.3291G>T on transcript NM_000037.4 (MANE Select); coding-DNA position 3291, G replaced by T.
Protein change: p.Glu1097Asp; replaces glutamic acid 1097 with aspartic acid.
Molecular consequence: missense variant.
Genome position (GRCh38, 1-based): chr8:41,694,628, C>A on the plus strand (G>T on the coding strand, the complement: ANK1 is on the minus strand). VCF-style: chr8-41694628-C-A. GRCh37 (hg19) VCF-style: chr8-41552146-C-A.
Other names: c.3414G>T, p.Glu1138Asp (NM_001142446.2); c.3291G>T, p.Glu1097Asp (NM_020475.3, NM_020476.3, NM_020477.3); short protein forms E1138D, E1097D.
Identifiers: ClinVar variation 3538679 (VCV003538679.2).